The following is an entry in ClinVar:

ClinVar aggregate classification (germline): Uncertain significance (1 of 4 stars; one submission).

Allele frequency attached by ClinVar (database versions not stated): gnomAD exomes below 0.00001 and 0.00001; gnomAD 0.00001; ExAC 0.00002; TOPMed 0.00003.
gnomAD v4.1: 5 of 1,580,568 alleles (0.00032%); highest among the groups gnomAD compares: African/African-American, 0.0027%; no homozygotes.

Submission:

Laboratory for Molecular Medicine, Mass General Brigham Personalized Medicine
Classification: Uncertain significance. Last evaluated: 2013-11-26. Review status: criteria provided, single submitter. Criteria: LMM Criteria. Collection method: clinical testing. Allele origin: germline. Observed: 1 variant allele.
Comment: The Ser5731Cys variant in GPR98 has not been previously reported in individuals with hearing loss or in large population studies. Computational analyses (bioche mical amino acid properties, conservation, AlignGVGD, PolyPhen2, and SIFT) do no t provide strong support for or against an impact to the protein. In summary, ad ditional data is needed to determine the clinical significance of this variant.

NM_032119.4(ADGRV1):c.17192C>G (p.Ser5731Cys)

Gene: ADGRV1 (adhesion G protein-coupled receptor V1; plus strand). Cytogenetic location: 5q14.3.
Variant type: single nucleotide variant.
Coding change: c.17192C>G on transcript NM_032119.4 (MANE Select); coding-DNA position 17192, C replaced by G.
Protein change: p.Ser5731Cys; replaces serine 5731 with cysteine.
Molecular consequence: missense variant. On other transcripts: non-coding transcript variant (1).
Genome position (GRCh38, 1-based): chr5:90,848,809, C>G. VCF-style: chr5-90848809-C-G. GRCh37 (hg19) VCF-style: chr5-90144626-C-G.
Other names: short protein forms S5731C.
Identifiers: ClinVar variation 163627 (VCV000163627.4), dbSNP rs727503086, ClinGen allele CA176252.